The following is an entry in ClinVar:

NM_000037.4(ANK1):c.5197C>T (p.Gln1733Ter)

Gene: ANK1 (ankyrin 1; minus strand). Cytogenetic location: 8p11.21.
Variant type: single nucleotide variant.
Coding change: c.5197C>T on transcript NM_000037.4 (MANE Select); coding-DNA position 5197, C replaced by T.
Protein change: p.Gln1733Ter; replaces glutamine 1733 with a stop codon.
Molecular consequence: nonsense.
Genome position (GRCh38, 1-based): chr8:41,668,464, G>A on the plus strand (C>T on the coding strand, the complement: ANK1 is on the minus strand). VCF-style: chr8-41668464-G-A. GRCh37 (hg19) VCF-style: chr8-41525982-G-A.
Other names: p.Gln1733*; c.5320C>T, p.Gln1774Ter (NM_001142446.2); c.5197C>T, p.Gln1733Ter (NM_020475.3, NM_020476.3); c.4711C>T, p.Gln1571Ter (NM_020477.3); short protein forms Q1571*, Q1733*, Q1774*.
Identifiers: ClinVar variation 2032546 (VCV002032546.5), dbSNP rs2487606977, ClinGen allele CA371051690.

ClinVar aggregate classification (germline): Pathogenic/Likely pathogenic. Review status: criteria provided, multiple submitters, no conflicts (2 of 4 stars). 2 submissions from 2 submitters: Pathogenic (1); Likely pathogenic (1). Last evaluated 2024-05-17.

Submissions (2):

Mayo Clinic Laboratories, Mayo Clinic
Classification: Likely pathogenic. Last evaluated: 2024-05-17. Review status: criteria provided, single submitter. Criteria: ACMG Guidelines, 2015. Collection method: clinical testing. Allele origin: germline. Observed: 1 variant allele.
Comment: PM2_moderate, PVS1

Labcorp Genetics (formerly Invitae), Labcorp
Classification: Pathogenic. Last evaluated: 2022-09-25. Review status: criteria provided, single submitter. Criteria: Invitae Variant Classification Sherloc (09022015). Collection method: clinical testing. Allele origin: germline.
Comment: For these reasons, this variant has been classified as Pathogenic. This variant has not been reported in the literature in individuals affected with ANK1-related conditions. This variant is not present in population databases (gnomAD no frequency). This sequence change creates a premature translational stop signal (p.Gln1733*) in the ANK1 gene. It is expected to result in an absent or disrupted protein product. Loss-of-function variants in ANK1 are known to be pathogenic (PMID: 8640229).

Literature cited by the submitters: PubMed 8640229 (cited by Labcorp Genetics (formerly Invitae), Labcorp).